The following is an entry in ClinVar:

ClinVar aggregate classification (germline): Uncertain significance (1 of 4 stars; one submission).

gnomAD v4.1: 1 of 1,614,010 alleles (0.000062%); no homozygotes.

Submission:

GeneDx
Classification: Uncertain significance. Last evaluated: 2019-08-20. Review status: criteria provided, single submitter. Criteria: GeneDx Variant Classification Process June 2021. Collection method: clinical testing. Allele origin: germline. Affected: yes.
Comment: Not observed in large population cohorts (Lek et al., 2016); In silico analysis, which includes protein predictors and evolutionary conservation, supports that this variant does not alter protein structure/function; Has not been previously published as pathogenic or benign to our knowledge

NM_014112.5(TRPS1):c.1177A>G (p.Asn393Asp)

Gene: TRPS1 (transcriptional repressor GATA binding 1; minus strand). Cytogenetic location: 8q23.3.
Variant type: single nucleotide variant.
Coding change: c.1177A>G on transcript NM_014112.5 (MANE Select); coding-DNA position 1177, A replaced by G.
Protein change: p.Asn393Asp; replaces asparagine 393 with aspartic acid.
Molecular consequence: missense variant.
Genome position (GRCh38, 1-based): chr8:115,604,792, T>C on the plus strand (A>G on the coding strand, the complement: TRPS1 is on the minus strand). VCF-style: chr8-115604792-T-C. GRCh37 (hg19) VCF-style: chr8-116617019-T-C.
Other names: c.1150A>G, p.Asn384Asp (NM_001282902.3); c.1156A>G, p.Asn386Asp (NM_001282903.3); c.1138A>G, p.Asn380Asp (NM_001330599.2); short protein forms N380D, N384D, N386D, N393D.
Identifiers: ClinVar variation 1307909 (VCV001307909.2), dbSNP rs752446879, ClinGen allele CA372067985.